The following is an entry in ClinVar:

ClinVar aggregate classification (germline): Conflicting classifications of pathogenicity. Review status: criteria provided, conflicting classifications (1 of 4 stars). 4 submissions from 4 submitters: Uncertain significance (2); Likely benign (2). Last evaluated 2026-02-03.

Submissions (4):

Labcorp Genetics (formerly Invitae), Labcorp
Classification: Likely benign. Last evaluated: 2026-02-03. Review status: criteria provided, single submitter. Criteria: Invitae Variant Classification Sherloc (09022015). Collection method: clinical testing. Allele origin: germline.

CeGaT Center for Human Genetics Tuebingen
Classification: Uncertain significance. Last evaluated: 2026-01-01. Review status: criteria provided, single submitter. Criteria: CeGaT Center For Human Genetics Tuebingen Variant Classification Criteria Version 2. Collection method: clinical testing. Allele origin: germline. Affected: yes. Observed: 2 variant alleles.
Comment: GRM6: PM4, PM2:Supporting, PM3:Supporting

GeneDx
Classification: Uncertain significance. Last evaluated: 2024-11-11. Review status: criteria provided, single submitter. Criteria: GeneDx Variant Classification Process June 2021. Collection method: clinical testing. Allele origin: germline. Affected: yes.
Comment: In-frame deletion of 5 amino acids in a non-repeat region; In silico analysis supports a deleterious effect on protein structure/function; This variant is associated with the following publications: (PMID: 28341476, 38219857)

Blueprint Genetics
Classification: Likely benign. Last evaluated: 2024-07-17. Review status: criteria provided, single submitter. Criteria: ACMG Guidelines, 2015. Collection method: clinical testing. Allele origin: germline.

NM_000843.4(GRM6):c.58_72del (p.Trp20_Ala24del)

Gene: GRM6 (glutamate metabotropic receptor 6; minus strand). Cytogenetic location: 5q35.3.
Variant type: Deletion.
Coding change: c.58_72del on transcript NM_000843.4 (MANE Select); coding-DNA positions 58 to 72, 15 bases deleted (TGGCTGGCGCAGGCG).
Protein change: p.Trp20_Ala24del.
Molecular consequence: inframe deletion.
Genome position (GRCh38, 1-based): chr5:178,994,873-178,994,887, CGCCTGCGCCAGCCA deleted on the plus strand (TGGCTGGCGCAGGCG on the coding strand, the reverse complement: GRM6 is on the minus strand); deleting any 15 consecutive bases within chr5:178,994,873-178,994,891 gives the same sequence; the c. name uses the placement nearest the transcript's 3' end. VCF-style (leftmost placement, unchanged base first): chr5-178994872-CCGCCTGCGCCAGCCA-C. GRCh37 (hg19) VCF-style: chr5-178421873-CCGCCTGCGCCAGCCA-C.
Identifiers: ClinVar variation 1146066 (VCV001146066.17), dbSNP rs1189206125, ClinGen allele CA564902078.